The following is an entry in ClinVar:

NM_001142800.2(EYS):c.5110dup (p.Ile1704fs)

Gene: EYS (EGF-like photoreceptor maintenance factor; minus strand). Cytogenetic location: 6q12.
Variant type: Duplication.
Coding change: c.5110dup on transcript NM_001142800.2 (MANE Select); coding-DNA position 5110, one base duplicated (A; older notation c.5110dupA).
Protein change: p.Ile1704fs; shifts the reading frame from isoleucine 1704.
Molecular consequence: frameshift variant.
Genome position (GRCh38, 1-based): chr6:64,590,757, T duplicated on the plus strand (A on the coding strand, the reverse complement: EYS is on the minus strand); the first of 4 consecutive T bases (chr6:64,590,757-64,590,760); duplicating any one gives the same sequence. VCF-style (leftmost placement, unchanged base first): chr6-64590756-A-AT. GRCh37 (hg19) VCF-style: chr6-65300649-A-AT.
Other names: c.5110dup, p.Ile1704fs (NM_001292009.2); short protein forms I1704fs.
Identifiers: ClinVar variation 1456080 (VCV001456080.6), dbSNP rs2149831487, ClinGen allele CA2573141004.

ClinVar aggregate classification (germline): Pathogenic (1 of 4 stars; one submission).

Submission:

Labcorp Genetics (formerly Invitae), Labcorp
Classification: Pathogenic. Last evaluated: 2021-10-28. Review status: criteria provided, single submitter. Criteria: Invitae Variant Classification Sherloc (09022015). Collection method: clinical testing. Allele origin: germline.
Comment: For these reasons, this variant has been classified as Pathogenic. This variant has not been reported in the literature in individuals affected with EYS-related conditions. This variant is not present in population databases (gnomAD no frequency). This sequence change creates a premature translational stop signal (p.Ile1704Asnfs*12) in the EYS gene. It is expected to result in an absent or disrupted protein product. Loss-of-function variants in EYS are known to be pathogenic (PMID: 18836446, 20333770).

Literature cited by the submitters: PubMed 18836446; PubMed 20333770.